The following is an entry in ClinVar:

ClinVar aggregate classification (germline): Uncertain significance (1 of 4 stars; one submission).

Conditions:
Atrial fibrillation, familial, 18 (ATFB18). Identifiers: MedGen C4310636, MONDO:0015001, OMIM 617280.

gnomAD v4.1: 3 of 1,614,028 alleles (0.00019%); highest among the groups gnomAD compares: African/African-American, 0.004%; no homozygotes.

Submission:

Labcorp Genetics (formerly Invitae), Labcorp
Classification: Uncertain significance for Atrial fibrillation, familial, 18. Last evaluated: 2025-07-02. Review status: criteria provided, single submitter. Criteria: Invitae Variant Classification Sherloc (09022015). Collection method: clinical testing. Allele origin: germline.
Comment: This sequence change replaces alanine, which is neutral and non-polar, with glycine, which is neutral and non-polar, at codon 16 of the MYL4 protein (p.Ala16Gly). This variant is present in population databases (rs760072257, gnomAD 0.01%). This variant has not been reported in the literature in individuals affected with MYL4-related conditions. ClinVar contains an entry for this variant (Variation ID: 3706602). Experimental studies and prediction algorithms are not available or were not evaluated, and the functional significance of this variant is currently unknown. In summary, the available evidence is currently insufficient to determine the role of this variant in disease. Therefore, it has been classified as a Variant of Uncertain Significance.

NM_002476.2(MYL4):c.47C>G (p.Ala16Gly)

Gene: MYL4 (myosin light chain 4; plus strand). Cytogenetic location: 17q21.32.
Variant type: single nucleotide variant.
Coding change: c.47C>G on transcript NM_002476.2 (MANE Select); coding-DNA position 47, C replaced by G.
Protein change: p.Ala16Gly; replaces alanine 16 with glycine.
Molecular consequence: missense variant.
Genome position (GRCh38, 1-based): chr17:47,209,469, C>G. VCF-style: chr17-47209469-C-G. GRCh37 (hg19) VCF-style: chr17-45286835-C-G.
Other names: c.47C>G, p.Ala16Gly (NM_001002841.2); short protein forms A16G.
Identifiers: ClinVar variation 3706602 (VCV003706602.2).
Genomic context (GRCh38, chr17:47,209,469, plus strand): 5'-CCCAACAAGACAACATGGCTCCCAAGAAGCCTGAGCCTAAGAAGGAGGCAGCCAAGCCAG[C>G]TCCAGCTCCAGCTCCAGCCCCTGCACCAGCCCCTGCCCCAGCTCCTGAGGCTCCCAAGGA-3'
Protein context (NP_002467.1, residues 6-26): PEPKKEAAKP[Ala16Gly]PAPAPAPAPA